The following is an entry in ClinVar:

ClinVar aggregate classification (germline): Uncertain significance (1 of 4 stars; one submission).

Submission:

Ambry Genetics
Classification: Uncertain significance. Last evaluated: 2024-10-25. Review status: criteria provided, single submitter. Criteria: Ambry Variant Classification Scheme 2023. Collection method: clinical testing. Allele origin: germline.
Comment: The p.G895R variant (also known as c.2683G>A), located in coding exon 16 of the POLQ gene, results from a G to A substitution at nucleotide position 2683. The glycine at codon 895 is replaced by arginine, an amino acid with dissimilar properties. This amino acid position is conserved. In addition, the in silico prediction for this alteration is inconclusive. Based on the available evidence, the clinical significance of this variant remains unclear.

NM_199420.4(POLQ):c.2683G>A (p.Gly895Arg)

Gene: POLQ (DNA polymerase theta; minus strand). Cytogenetic location: 3q13.33.
Variant type: single nucleotide variant.
Coding change: c.2683G>A on transcript NM_199420.4 (MANE Select); coding-DNA position 2683, G replaced by A.
Protein change: p.Gly895Arg; replaces glycine 895 with arginine.
Molecular consequence: missense variant.
Genome position (GRCh38, 1-based): chr3:121,490,248, C>T on the plus strand (G>A on the coding strand, the complement: POLQ is on the minus strand). VCF-style: chr3-121490248-C-T. GRCh37 (hg19) VCF-style: chr3-121209095-C-T.
Other names: short protein forms G895R.
Identifiers: ClinVar variation 3422620 (VCV003422620.1).
Genomic context (GRCh38, chr3:121,490,248, plus strand): 5'-CACTATGAGTCAATGAGCATGTACTAGAATGTAACAGGGCACATGGATTCCATTGCACTC[C>T]CATTTCAACTAAGTCCTGCTGCAGAATCATTCTGGCTTCTTCCACTATAAGGGCTGCTGC-3'
Protein context (NP_955452.3, residues 885-905): MILQQDLVEM[Gly895Arg]VQWNPCALLH